The following is an entry in ClinVar:

ClinVar aggregate classification (germline): Uncertain significance (1 of 4 stars; one submission).

Allele frequency attached by ClinVar (database versions not stated): gnomAD exomes below 0.00001; ExAC 0.00001; gnomAD 0.00003; TOPMed 0.00005; ESP Exome Variant Server 0.00008.
gnomAD v4.1: 12 of 1,613,662 alleles (0.00074%); highest among the groups gnomAD compares: African/African-American, 0.004%; no homozygotes.

Submission:

Labcorp Genetics (formerly Invitae), Labcorp
Classification: Uncertain significance. Last evaluated: 2022-08-07. Review status: criteria provided, single submitter. Criteria: Invitae Variant Classification Sherloc (09022015). Collection method: clinical testing. Allele origin: germline.
Comment: This sequence change replaces methionine, which is neutral and non-polar, with threonine, which is neutral and polar, at codon 61 of the LCT protein (p.Met61Thr). This variant is present in population databases (rs146572522, gnomAD 0.002%). This variant has not been reported in the literature in individuals affected with LCT-related conditions. Algorithms developed to predict the effect of missense changes on protein structure and function are either unavailable or do not agree on the potential impact of this missense change (SIFT: "Not Available"; PolyPhen-2: "Benign"; Align-GVGD: "Not Available"). In summary, the available evidence is currently insufficient to determine the role of this variant in disease. Therefore, it has been classified as a Variant of Uncertain Significance.

NM_002299.4(LCT):c.182T>C (p.Met61Thr)

Gene: LCT (lactase; minus strand). Cytogenetic location: 2q21.3.
Variant type: single nucleotide variant.
Coding change: c.182T>C on transcript NM_002299.4 (MANE Select); coding-DNA position 182, T replaced by C.
Protein change: p.Met61Thr; replaces methionine 61 with threonine.
Molecular consequence: missense variant.
Genome position (GRCh38, 1-based): chr2:135,836,988, A>G on the plus strand (T>C on the coding strand, the complement: LCT is on the minus strand). VCF-style: chr2-135836988-A-G. GRCh37 (hg19) VCF-style: chr2-136594558-A-G.
Other names: short protein forms M61T.
Identifiers: ClinVar variation 1940543 (VCV001940543.5), dbSNP rs146572522, ClinGen allele CA1888680.